The following is an entry in ClinVar:

ClinVar aggregate classification (germline): Uncertain significance (1 of 4 stars; one submission).

Conditions:
Neuronal ceroid lipofuscinosis 7 (CLN7). Also called: MFSD8-Related Neuronal Ceroid-Lipofuscinosis. Identifiers: Orphanet 168491, Orphanet 228366, MedGen C1838571, MONDO:0012588, OMIM 610951.

Allele frequency attached by ClinVar (database versions not stated): gnomAD exomes below 0.00001.
gnomAD v4.1: 1 of 1,614,090 alleles (0.000062%); highest among the groups gnomAD compares: South Asian, 0.0011%; no homozygotes.

Submission:

Labcorp Genetics (formerly Invitae), Labcorp
Classification: Uncertain significance for Neuronal ceroid lipofuscinosis 7. Last evaluated: 2022-08-09. Review status: criteria provided, single submitter. Criteria: Invitae Variant Classification Sherloc (09022015). Collection method: clinical testing. Allele origin: germline.
Comment: This sequence change replaces tryptophan, which is neutral and slightly polar, with arginine, which is basic and polar, at codon 366 of the MFSD8 protein (p.Trp366Arg). This variant is not present in population databases (gnomAD no frequency). This variant has not been reported in the literature in individuals affected with MFSD8-related conditions. Algorithms developed to predict the effect of missense changes on protein structure and function are either unavailable or do not agree on the potential impact of this missense change (SIFT: "Deleterious"; PolyPhen-2: "Probably Damaging"; Align-GVGD: "Class C15"). In summary, the available evidence is currently insufficient to determine the role of this variant in disease. Therefore, it has been classified as a Variant of Uncertain Significance.

NM_001371596.2(MFSD8):c.1096T>C (p.Trp366Arg)

Gene: MFSD8 (major facilitator superfamily domain containing 8; minus strand). Cytogenetic location: 4q28.2.
Variant type: single nucleotide variant.
Coding change: c.1096T>C on transcript NM_001371596.2 (MANE Select); coding-DNA position 1096, T replaced by C.
Protein change: p.Trp366Arg; replaces tryptophan 366 with arginine.
Molecular consequence: missense variant.
Genome position (GRCh38, 1-based): chr4:127,921,866, A>G on the plus strand (T>C on the coding strand, the complement: MFSD8 is on the minus strand). VCF-style: chr4-127921866-A-G. GRCh37 (hg19) VCF-style: chr4-128843021-A-G.
Other names: c.895T>C, p.Trp299Arg (NM_001363520.3); c.781T>C, p.Trp261Arg (NM_001363521.3); c.961T>C, p.Trp321Arg (NM_001371590.2); c.1096T>C, p.Trp366Arg (NM_001371591.2, NM_152778.4); c.1102T>C, p.Trp368Arg (NM_001371592.2); c.982T>C, p.Trp328Arg (NM_001371593.2); c.949T>C, p.Trp317Arg (NM_001371594.2); c.814T>C, p.Trp272Arg (NM_001371595.1); and 1 more; short protein forms W216R, W261R, W272R, W299R, W317R, W321R, W328R, W366R.
Identifiers: ClinVar variation 1715914 (VCV001715914.3), dbSNP rs2546048053, ClinGen allele CA358171640.